The following is an entry in ClinVar:

NM_017841.4(SDHAF2):c.261-21_261-16del

Gene: SDHAF2 (succinate dehydrogenase complex assembly factor 2; plus strand). Cytogenetic location: 11q12.2.
Variant type: Deletion.
Coding change: c.261-21_261-16del on transcript NM_017841.4 (MANE Select); 21 bases into the intron before coding-DNA position 261 through 16 bases into the intron before coding-DNA position 261, 6 bases deleted (TTTTTT; older notation c.261-21_261-16delTTTTTT).
Molecular consequence: intron variant.
Genome position (GRCh38, 1-based): chr11:61,437,983-61,437,988, TTTTTT deleted; deleting any 6 consecutive bases within chr11:61,437,982-61,437,988 gives the same sequence; the c. name uses the placement nearest the transcript's 3' end. VCF-style (leftmost placement, unchanged base first): chr11-61437981-CTTTTTT-C. GRCh37 (hg19) VCF-style: chr11-61205453-CTTTTTT-C.
Identifiers: ClinVar variation 1605458 (VCV001605458.9), dbSNP rs773213740, ClinGen allele CA678947485.
Genomic context (GRCh38, chr11:61,437,981, plus strand): 5'-GGAGTAGGAGTCTTGGTGTCACTTCTCTTTTATTAGACACAGCCTTCTCAACCTCTTTTT[CTTTTTT>C]TCTTTCTTGTTTTTAGTCTTTTTGCTAAAGAACATCTGCAGCACATGACAGAAAAGCAGC-3'

ClinVar aggregate classification (germline): Likely benign. Review status: criteria provided, multiple submitters, no conflicts (2 of 4 stars). 2 submissions from 2 submitters: Likely benign (2). Last evaluated 2026-08-04.

Conditions:
Pheochromocytoma/paraganglioma syndrome 2. Also called: SDHAF2-Related Hereditary Paraganglioma-Pheochromocytoma Syndrome; GLOMUS TUMORS, FAMILIAL, 2; Paragangliomas 2; SDHAF2-Related Hereditary Paraganglioma-Pheochromocytoma Syndrome (Paragangliomas 2). Identifiers: Orphanet 29072, MedGen C1866552, MONDO:0011121, OMIM 601650.
Hereditary pheochromocytoma and paraganglioma. Also called: Hereditary paragangliomas and pheochromocytomas; Hereditary Paraganglioma-Pheochromocytoma Syndromes; Hereditary pheochromocytoma-paraganglioma. Identifiers: Orphanet 29072, MedGen C4274332, MONDO:0017366.

Submissions (2):

Myriad Genetics, Inc.
Classification: Likely benign for Pheochromocytoma/paraganglioma syndrome 2. Last evaluated: 2026-08-04. Review status: criteria provided, single submitter. Criteria: Myriad Autosomal Dominant, Autosomal Recessive and X-Linked Classification Criteria (2023). Collection method: clinical testing. Allele origin: unknown.
Comment: This variant is considered likely benign. This variant is intronic and is not expected to impact mRNA splicing.

Labcorp Genetics (formerly Invitae), Labcorp
Classification: Likely benign for Hereditary pheochromocytoma and paraganglioma. Last evaluated: 2026-01-02. Review status: criteria provided, single submitter. Criteria: Invitae Variant Classification Sherloc (09022015). Collection method: clinical testing. Allele origin: germline.